The following is an entry in ClinVar:

ClinVar aggregate classification (germline): Uncertain significance. Review status: criteria provided, multiple submitters, no conflicts (2 of 4 stars). 2 submissions from 2 submitters: Uncertain significance (2). Last evaluated 2024-06-25.

Allele frequency attached by ClinVar (database versions not stated): ExAC 0.00001; gnomAD 0.00002; gnomAD exomes 0.00002; TOPMed 0.00002; ESP Exome Variant Server 0.00008.
gnomAD v4.1: 30 of 1,613,980 alleles (0.0019%); highest among the groups gnomAD compares: Non-Finnish European, 0.0025%; no homozygotes.

Submissions (2):

Labcorp Genetics (formerly Invitae), Labcorp
Classification: Uncertain significance. Last evaluated: 2024-06-25. Review status: criteria provided, single submitter. Criteria: Invitae Variant Classification Sherloc (09022015). Collection method: clinical testing. Allele origin: germline.
Comment: This sequence change replaces alanine, which is neutral and non-polar, with valine, which is neutral and non-polar, at codon 760 of the NCKAP1L protein (p.Ala760Val). This variant is present in population databases (rs373640452, gnomAD 0.004%). This variant has not been reported in the literature in individuals affected with NCKAP1L-related conditions. ClinVar contains an entry for this variant (Variation ID: 1923548). Algorithms developed to predict the effect of missense changes on protein structure and function output the following: SIFT: "Not Available"; PolyPhen-2: "Benign"; Align-GVGD: "Not Available". The valine amino acid residue is found in multiple mammalian species, which suggests that this missense change does not adversely affect protein function. In summary, the available evidence is currently insufficient to determine the role of this variant in disease. Therefore, it has been classified as a Variant of Uncertain Significance.

Ambry Genetics
Classification: Uncertain significance. Last evaluated: 2021-10-14. Review status: criteria provided, single submitter. Criteria: Ambry Variant Classification Scheme 2023. Collection method: clinical testing. Allele origin: germline.

NM_005337.5(NCKAP1L):c.2279C>T (p.Ala760Val)

Gene: NCKAP1L (NCK associated protein 1 like; plus strand). Cytogenetic location: 12q13.2.
Variant type: single nucleotide variant.
Coding change: c.2279C>T on transcript NM_005337.5 (MANE Select); coding-DNA position 2279, C replaced by T.
Protein change: p.Ala760Val; replaces alanine 760 with valine.
Molecular consequence: missense variant.
Genome position (GRCh38, 1-based): chr12:54,526,650, C>T. VCF-style: chr12-54526650-C-T. GRCh37 (hg19) VCF-style: chr12-54920434-C-T.
Other names: c.2129C>T, p.Ala710Val (NM_001184976.2); short protein forms A710V, A760V.
Identifiers: ClinVar variation 1923548 (VCV001923548.6), dbSNP rs373640452, ClinGen allele CA6609388.